The following is an entry in ClinVar:

NM_002506.3(NGF):c.553G>A (p.Val185Ile)

Genes: NGF (nerve growth factor; minus strand), NGF-AS1 (NGF antisense RNA 1; plus strand). Cytogenetic location: 1p13.2.
Variant type: single nucleotide variant.
Coding change: c.553G>A on transcript NM_002506.3 (MANE Select); coding-DNA position 553, G replaced by A.
Protein change: p.Val185Ile; replaces valine 185 with isoleucine.
Molecular consequence: missense variant.
Genome position (GRCh38, 1-based): chr1:115,286,243, C>T on the plus strand (G>A on the coding strand, the complement: NGF is on the minus strand). VCF-style: chr1-115286243-C-T. GRCh37 (hg19) VCF-style: chr1-115828864-C-T.
Other names: short protein forms V185I.
Identifiers: ClinVar variation 1662263 (VCV001662263.12), dbSNP rs141889164, ClinGen allele CA1022954.

ClinVar aggregate classification (germline): Conflicting classifications of pathogenicity. Review status: criteria provided, conflicting classifications (1 of 4 stars). 3 submissions from 3 submitters: Uncertain significance (2); Likely benign (1). Last evaluated 2026-09-10.

Conditions:
Congenital sensory neuropathy with selective loss of small myelinated fibers (HSAN5). Also called: HSAN Type V. Identifiers: Orphanet 64752, MedGen C0020075, MONDO:0012092, OMIM 608654.
Inborn genetic diseases. Identifiers: MedGen C0950123, MeSH D030342.
NGF-related disorder. Also called: NGF-related condition.

Allele frequency attached by ClinVar (database versions not stated): gnomAD 0.00039 and 0.00037; TOPMed 0.00044; ExAC 0.00014; 1000 Genomes Project 30x 0.00016; 1000 Genomes Project 0.00020; ESP Exome Variant Server 0.00031.
gnomAD v4.1: 128 of 1,614,190 alleles (0.0079%); highest among the groups gnomAD compares: African/African-American, 0.11%; 1 homozygote.

Submissions (3):

PreventionGenetics, part of Exact Sciences
Classification: Uncertain significance for NGF-related condition. Last evaluated: 2026-09-10. Review status: criteria provided, single submitter. Criteria: ACMG Guidelines, 2015. Collection method: clinical testing. Allele origin: germline.
Comment: The NGF c.553G>A variant is predicted to result in the amino acid substitution p.Val185Ile. To our knowledge, this variant has not been reported in the literature. This variant is reported in 0.14% of alleles in individuals of African descent in gnomAD. Although we suspect that this variant may be benign, at this time, the clinical significance of this variant is uncertain due to the absence of conclusive functional and genetic evidence.

Labcorp Genetics (formerly Invitae), Labcorp
Classification: Likely benign for Congenital sensory neuropathy with selective loss of small myelinated fibers. Last evaluated: 2026-01-14. Review status: criteria provided, single submitter. Criteria: Invitae Variant Classification Sherloc (09022015). Collection method: clinical testing. Allele origin: germline.

Ambry Genetics
Classification: Uncertain significance for Inborn genetic diseases. Last evaluated: 2019-12-30. Review status: criteria provided, single submitter. Criteria: Ambry Variant Classification Scheme 2023. Collection method: clinical testing. Allele origin: germline.
Comment: The p.V185I variant (also known as c.553G>A), located in coding exon 1 of the NGF gene, results from a G to A substitution at nucleotide position 553. The valine at codon 185 is replaced by isoleucine, an amino acid with highly similar properties. This amino acid position is not well conserved in available vertebrate species. In addition, this alteration is predicted to be tolerated by in silico analysis. Since supporting evidence is limited at this time, the clinical significance of this alteration remains unclear.